The following is an entry in ClinVar:

ClinVar aggregate classification (germline): Benign. Review status: reviewed by expert panel (3 of 4 stars). 9 submissions from 9 submitters: Benign (1). 8 of the submissions do not count toward it. Last evaluated 2024-09-17.

Conditions:
SHOC2-related disorder. Also called: SHOC2-related condition.
RASopathy. Also called: rasopathies; Noonan spectrum disorder. Identifiers: Orphanet 536391, MedGen C5555857, MONDO:0021060.
Noonan syndrome-like disorder with loose anagen hair 1 (NSLH1). Also called: TOSTI SYNDROME; MAZZANTI SYNDROME. Identifiers: Orphanet 2701, MedGen C4478716, MONDO:0054637, OMIM 607721.

Allele frequency attached by ClinVar (database versions not stated): gnomAD 0.00003 and 0.00004; TOPMed 0.00018; gnomAD exomes 0.00042; ExAC 0.00044.
gnomAD v4.1: 125 of 1,613,066 alleles (0.0077%); highest among the groups gnomAD compares: Admixed American, 0.21%; no homozygotes.

Submissions (9):

ClinGen RASopathy Variant Curation Expert Panel
Classification: Benign for RASopathy. Last evaluated: 2024-09-17. Review status: reviewed by expert panel. Criteria: ClinGen RASopathy ACMG Specifications SHOC2 V2.1.0. Collection method: curation. Allele origin: germline. Inheritance: Autosomal dominant inheritance.
Comment: The c.10A>C variant in the SHOC2 gene is a missense variant predicted to cause substitution of serine by arginine at amino acid 4 (p.Ser4Arg). The highest filtering allele frequency in gnomAD v4.1.0 is 0.2286% (124/59742 alleles) in the Admixed American population and therefore meets this criterion (BA1). The computational predictor tool REVEL gives a score of 0.113 and does not predict a damaging effect on SHOC2 function (BP4). This variant has been identified in a patient with an alternate molecular basis for disease (BP5; GeneDx, Partners LMM GTR Lab ID: 26957, 21766 internal data; ClinVar SCV000209046.7, SCV000062455.5). In summary, this variant meets criteria to be classified as benign for autosomal dominant RASopathies based on the ACMG/AMP criteria applied, as specified by the ClinGen RASopathy Variant Curation Expert Panel: BA1, BP4, BP5 (Specification Version 2.1, 09/17/2024)

Labcorp Genetics (formerly Invitae), Labcorp
Classification: Benign for RASopathy. Last evaluated: 2026-01-08. Review status: criteria provided, single submitter. Criteria: Invitae Variant Classification Sherloc (09022015). Collection method: clinical testing. Allele origin: germline. Not counted in ClinVar's aggregate classification.

CeGaT Center for Human Genetics Tuebingen
Classification: Likely benign. Last evaluated: 2025-11-01. Review status: criteria provided, single submitter. Criteria: CeGaT Center For Human Genetics Tuebingen Variant Classification Criteria Version 2. Collection method: clinical testing. Allele origin: germline. Affected: yes. Observed: 1 variant allele. Not counted in ClinVar's aggregate classification.
Comment: SHOC2: BS1

Fulgent Genetics
Classification: Likely benign for Noonan syndrome-like disorder with loose anagen hair 1. Last evaluated: 2021-11-28. Review status: criteria provided, single submitter. Criteria: ACMG Guidelines, 2015. Collection method: clinical testing. Allele origin: unknown. Not counted in ClinVar's aggregate classification.

ARUP Laboratories, Molecular Genetics and Genomics, ARUP Laboratories
Classification: Benign for Noonan syndrome-like disorder with loose anagen hair 1. Last evaluated: 2020-04-04. Review status: criteria provided, single submitter. Criteria: ARUP Molecular Germline Variant Investigation Process. Collection method: clinical testing. Allele origin: germline. Not counted in ClinVar's aggregate classification.

Women's Health and Genetics/Laboratory Corporation of America, LabCorp
Classification: Benign. Last evaluated: 2019-06-24. Review status: criteria provided, single submitter. Criteria: LabCorp Variant Classification Summary - May 2015. Collection method: clinical testing. Allele origin: germline. Not counted in ClinVar's aggregate classification.
Comment: Variant summary: SHOC2 c.10A>C (p.Ser4Arg) results in a non-conservative amino acid change in the encoded protein sequence. Three of five in-silico tools predict a damaging effect of the variant on protein function. The variant allele was found at a frequency of 0.00042 in 247788 control chromosomes, predominantly at a frequency of 0.003 within the Latino subpopulation in the gnomAD database. The observed variant frequency within Latino control individuals in the gnomAD database is approximately 120 fold of the estimated maximal expected allele frequency for a pathogenic variant in SHOC2 causing Noonan Syndrome and Related Conditions phenotype (2.5e-05), strongly suggesting that the variant is a benign polymorphism found primarily in populations of Latino origin. To our knowledge, no occurrence of c.10A>C in individuals affected with Noonan Syndrome and Related Conditions and no experimental evidence demonstrating its impact on protein function have been reported. A co-occurrence with a pathogenic variant has been reported (PTPN11 c.5C>T, p.Thr2Ile; LabCorp), providing supporting evidence for a benign role. Three ClinVar submitters including an expert panel (ClinGen RASopathy Variant Curation Expert Panel) (evaluation after 2014) cite the variant once as likely benign and twice as benign. Based on the evidence outlined above, the variant was classified as benign.

GeneDx
Classification: Benign. Last evaluated: 2017-06-28. Review status: criteria provided, single submitter. Criteria: GeneDx Variant Classification (06012015). Collection method: clinical testing. Allele origin: germline. Affected: yes. Not counted in ClinVar's aggregate classification.
Comment: This variant is considered likely benign or benign based on one or more of the following criteria: it is a conservative change, it occurs at a poorly conserved position in the protein, it is predicted to be benign by multiple in silico algorithms, and/or has population frequency not consistent with disease.

Laboratory for Molecular Medicine, Mass General Brigham Personalized Medicine
Classification: Likely benign. Last evaluated: 2015-05-13. Review status: criteria provided, single submitter. Criteria: LMM Criteria. Collection method: clinical testing. Allele origin: germline. Observed: 2 variant alleles. Not counted in ClinVar's aggregate classification.
Comment: proposed classification - variant undergoing re-assessment, contact laboratory

PreventionGenetics, part of Exact Sciences
Classification: Likely benign for SHOC2-related condition. Last evaluated: 2020-05-22. Review status: no assertion criteria provided. Collection method: clinical testing. Allele origin: germline. Not counted in ClinVar's aggregate classification.
Comment: This variant is classified as likely benign based on ACMG/AMP sequence variant interpretation guidelines (Richards et al. 2015 PMID: 25741868, with internal and published modifications).

Literature cited by the submitters: PubMed 28301460 (cited by Women's Health and Genetics/Laboratory Corporation of America, LabCorp).

NM_007373.4(SHOC2):c.10A>C (p.Ser4Arg)

Gene: SHOC2 (SHOC2 leucine rich repeat scaffold protein; plus strand). Cytogenetic location: 10q25.2.
Variant type: single nucleotide variant.
Coding change: c.10A>C on transcript NM_007373.4 (MANE Select); coding-DNA position 10, A replaced by C.
Protein change: p.Ser4Arg; replaces serine 4 with arginine.
Molecular consequence: missense variant.
Genome position (GRCh38, 1-based): chr10:110,964,368, A>C. VCF-style: chr10-110964368-A-C. GRCh37 (hg19) VCF-style: chr10-112724126-A-C.
Other names: p.S4R:AGT>CGT; NM_007373.3(SHOC2):c.10A>C; c.10A>C, p.Ser4Arg (NM_001269039.3, NM_001324336.2, NM_001324337.2); short protein forms S4R.
Identifiers: ClinVar variation 40635 (VCV000040635.35), dbSNP rs397517231, ClinGen allele CA136657.